The following is an entry in ClinVar:

NM_006947.4(SRP72):c.445A>T (p.Thr149Ser)

Gene: SRP72 (signal recognition particle 72; plus strand). Cytogenetic location: 4q12.
Variant type: single nucleotide variant.
Coding change: c.445A>T on transcript NM_006947.4 (MANE Select); coding-DNA position 445, A replaced by T.
Protein change: p.Thr149Ser; replaces threonine 149 with serine.
Molecular consequence: missense variant. On other transcripts: non-coding transcript variant (1).
Genome position (GRCh38, 1-based): chr4:56,474,144, A>T. VCF-style: chr4-56474144-A-T. GRCh37 (hg19) VCF-style: chr4-57340310-A-T.
Other names: c.445A>T, p.Thr149Ser (NM_001267722.2); short protein forms T149S.
Identifiers: ClinVar variation 4174949 (VCV004174949.1).

ClinVar aggregate classification (germline): Uncertain significance (1 of 4 stars; one submission).

gnomAD v4.1: 1 of 1,614,244 alleles (0.000062%); highest among the groups gnomAD compares: East Asian, 0.0022%; no homozygotes.

Submission:

Ambry Genetics
Classification: Uncertain significance. Last evaluated: 2025-07-28. Review status: criteria provided, single submitter. Criteria: Ambry Variant Classification Scheme 2023. Collection method: clinical testing. Allele origin: germline.
Comment: The p.T149S variant (also known as c.445A>T), located in coding exon 4 of the SRP72 gene, results from an A to T substitution at nucleotide position 445. The threonine at codon 149 is replaced by serine, an amino acid with similar properties. This amino acid position is conserved. In addition, the in silico prediction for this alteration is inconclusive. Based on the available evidence, the clinical significance of this variant remains unclear.